The following is an entry in ClinVar:

ClinVar aggregate classification (germline): Pathogenic. Review status: criteria provided, multiple submitters, no conflicts (2 of 4 stars). 3 submissions from 3 submitters: Pathogenic (3). Last evaluated 2025-12-11.

Conditions:
Severe early-childhood-onset retinal dystrophy (STGD1). Also called: STGD; Stargardt macular dystrophy; Juvenile onset macular degeneration; Stargardt disease 1; MACULAR DYSTROPHY WITH FLECKS, TYPE 1. Identifiers: Orphanet 364055, Orphanet 827, MedGen C1855465, MeSH D000080362, MONDO:0009549, OMIM 248200.
Retinal dystrophy. Also called: Inherited retinal dystrophy. Identifiers: Orphanet 71862, MedGen C0854723, MeSH D058499, MONDO:0019118, HP:0000556.

Submissions (3):

Medical and Scientific Branch, Hong Kong Genome Institute
Classification: Pathogenic for Severe early-childhood-onset retinal dystrophy. Last evaluated: 2025-12-11. Review status: criteria provided, single submitter. Criteria: ACMG Guidelines, 2015. Collection method: clinical testing. Allele origin: germline. Affected: yes.

Labcorp Genetics (formerly Invitae), Labcorp
Classification: Pathogenic. Last evaluated: 2024-06-12. Review status: criteria provided, single submitter. Criteria: Invitae Variant Classification Sherloc (09022015). Collection method: clinical testing. Allele origin: germline.
Comment: This sequence change creates a premature translational stop signal (p.Trp1624*) in the ABCA4 gene. It is expected to result in an absent or disrupted protein product. Loss-of-function variants in ABCA4 are known to be pathogenic (PMID: 10958761, 24938718, 25312043, 26780318). This variant is not present in population databases (gnomAD no frequency). This premature translational stop signal has been observed in individual(s) with cone-rod dystrophy (PMID: 26593885). ClinVar contains an entry for this variant (Variation ID: 1457674). For these reasons, this variant has been classified as Pathogenic.

Institute of Human Genetics, Univ. Regensburg, Univ. Regensburg
Classification: Pathogenic for Retinal dystrophy. Last evaluated: 2015-01-01. Review status: criteria provided, single submitter. Criteria: ACMG Guidelines, 2015. Collection method: clinical testing. Allele origin: germline. Affected: yes.

Literature cited by the submitters: PubMed 10958761 (cited by Labcorp Genetics (formerly Invitae), Labcorp); PubMed 24938718 (cited by Labcorp Genetics (formerly Invitae), Labcorp); PubMed 25312043 (cited by Labcorp Genetics (formerly Invitae), Labcorp); PubMed 26780318 (cited by Labcorp Genetics (formerly Invitae), Labcorp); PubMed 26593885 (cited by Labcorp Genetics (formerly Invitae), Labcorp and Institute of Human Genetics, Univ. Regensburg, Univ. Regensburg).

NM_000350.3(ABCA4):c.4872G>A (p.Trp1624Ter)

Genes: ABCA4 (ATP binding cassette subfamily A member 4; minus strand), LOC126805793 (CDK7 strongly-dependent group 2 enhancer GRCh37_chr1:94486302-94487501; plus strand). Cytogenetic location: 1p22.1.
Variant type: single nucleotide variant.
Coding change: c.4872G>A on transcript NM_000350.3 (MANE Select); coding-DNA position 4872, G replaced by A.
Protein change: p.Trp1624Ter; replaces tryptophan 1624 with a stop codon.
Molecular consequence: nonsense.
Genome position (GRCh38, 1-based): chr1:94,021,386, C>T on the plus strand (G>A on the coding strand, the complement: ABCA4 is on the minus strand). VCF-style: chr1-94021386-C-T. GRCh37 (hg19) VCF-style: chr1-94486942-C-T.
Other names: c.4650G>A, p.Trp1550Ter (NM_001425324.1); short protein forms W1624*, W1550*.
Identifiers: ClinVar variation 1457674 (VCV001457674.8), dbSNP rs2101023129, ClinGen allele CA341283192.